The following is an entry in ClinVar:

ClinVar aggregate classification (germline): Pathogenic. Review status: criteria provided, multiple submitters, no conflicts (2 of 4 stars). 2 submissions from 2 submitters: Pathogenic (2). Last evaluated 2022-02-03.

Submissions (2):

Labcorp Genetics (formerly Invitae), Labcorp
Classification: Pathogenic. Last evaluated: 2022-02-03. Review status: criteria provided, single submitter. Criteria: Invitae Variant Classification Sherloc (09022015). Collection method: clinical testing. Allele origin: germline.
Comment: This sequence change creates a premature translational stop signal (p.Pro260Asnfs*30) in the BEST1 gene. It is expected to result in an absent or disrupted protein product. Loss-of-function variants in BEST1 are known to be pathogenic (PMID: 21825197). This variant is not present in population databases (gnomAD no frequency). This variant has not been reported in the literature in individuals affected with BEST1-related conditions. ClinVar contains an entry for this variant (Variation ID: 817976). For these reasons, this variant has been classified as Pathogenic.

GeneDx
Classification: Pathogenic. Last evaluated: 2019-01-16. Review status: criteria provided, single submitter. Criteria: GeneDx Variant Classification (06012015). Collection method: clinical testing. Allele origin: germline. Affected: yes.
Comment: The c.777_778insAA variant in the BEST1 gene has not been reported previously as a pathogenic variant nor as a benign variant, to our knowledge. The c.777_778insAA variant causes a frameshift starting with codon Proline 260, changes this amino acid to an Asparagine residue, and creates a premature Stop codon at position 30 of the new reading frame, denoted p.Pro260AsnfsX30. This variant is predicted to cause loss of normal protein function either through protein truncation or nonsense-mediated mRNA decay. The c.777_778insAA variant is not observed in large population cohorts (Lek et al., 2016). We interpret c.777_778insAA as a pathogenic variant.

Literature cited by the submitters: PubMed 21825197 (cited by Labcorp Genetics (formerly Invitae), Labcorp).

NM_004183.4(BEST1):c.777_778insAA (p.Pro260fs)

Gene: BEST1 (bestrophin 1; plus strand). Cytogenetic location: 11q12.3.
Variant type: Insertion.
Coding change: c.777_778insAA on transcript NM_004183.4 (MANE Select); coding-DNA positions 777 to 778, AA inserted.
Protein change: p.Pro260fs; shifts the reading frame from proline 260.
Molecular consequence: frameshift variant. On other transcripts: non-coding transcript variant (1).
Genome position: GRCh38 VCF-style: chr11-61958208-C-CAA. GRCh37 (hg19) VCF-style: chr11-61725680-C-CAA.
Other names: c.597_598insAA, p.Pro200Asnfs (NM_001139443.3); c.597_598insAA, p.Pro200fs (NM_001300786.2, NM_001300787.2); c.459_460insAA, p.Pro154Asnfs (NM_001363591.3); c.777_778insAA, p.Pro260Asnfs (NM_001363592.2); c.-399_-398insAA (NM_001363593.3); short protein forms P200fs, P154fs, P260fs.
Identifiers: ClinVar variation 817976 (VCV000817976.9), dbSNP rs1591295182, ClinGen allele CA474806517.
Genomic context (GRCh38, chr11:61,958,208, plus strand): 5'-GGTGACTGTGGCGGTGTACAGCTTCTTCCTGACTTGTCTAGTTGGGCGGCAGTTTCTGAA[C>CAA]CCAGCCAAGGCCTACCCTGGCCATGAGCTGGACCTCGTTGTGCCCGTCTTCACGTTCCTG-3'